The following is an entry in ClinVar:

ClinVar aggregate classification (germline): Uncertain significance. Review status: criteria provided, multiple submitters, no conflicts (2 of 4 stars). 2 submissions from 2 submitters: Uncertain significance (2). Last evaluated 2021-09-20.

Conditions:
LAMA2-related muscular dystrophy (LAMA2-RD). Also called: Laminin alpha 2-related dystrophy. Identifiers: MedGen C5679788, MONDO:0100228.

Submissions (2):

Blueprint Genetics
Classification: Uncertain significance. Last evaluated: 2021-09-20. Review status: criteria provided, single submitter. Criteria: ACMG Guidelines, 2015. Collection method: clinical testing. Allele origin: germline.

Labcorp Genetics (formerly Invitae), Labcorp
Classification: Uncertain significance for LAMA2-related muscular dystrophy. Last evaluated: 2021-09-01. Review status: criteria provided, single submitter. Criteria: Invitae Variant Classification Sherloc (09022015). Collection method: clinical testing. Allele origin: germline.
Comment: This sequence change replaces methionine with arginine at codon 2805 of the LAMA2 protein (p.Met2805Arg). The methionine residue is moderately conserved and there is a moderate physicochemical difference between methionine and arginine. This variant is not present in population databases (ExAC no frequency). This variant has not been reported in the literature in individuals affected with LAMA2-related conditions. Algorithms developed to predict the effect of missense changes on protein structure and function are either unavailable or do not agree on the potential impact of this missense change (SIFT: "Tolerated"; PolyPhen-2: "Possibly Damaging"; Align-GVGD: "Class C0"). Algorithms developed to predict the effect of sequence changes on RNA splicing suggest that this variant may create or strengthen a splice site. In summary, the available evidence is currently insufficient to determine the role of this variant in disease. Therefore, it has been classified as a Variant of Uncertain Significance.

NM_000426.4(LAMA2):c.8414T>G (p.Met2805Arg)

Gene: LAMA2 (laminin subunit alpha 2; plus strand). Cytogenetic location: 6q22.33.
Variant type: single nucleotide variant.
Coding change: c.8414T>G on transcript NM_000426.4 (MANE Select); coding-DNA position 8414, T replaced by G.
Protein change: p.Met2805Arg; replaces methionine 2805 with arginine.
Molecular consequence: missense variant.
Genome position (GRCh38, 1-based): chr6:129,503,147, T>G. VCF-style: chr6-129503147-T-G. GRCh37 (hg19) VCF-style: chr6-129824292-T-G.
Other names: c.8402T>G, p.Met2801Arg (NM_001079823.2); short protein forms M2801R, M2805R.
Identifiers: ClinVar variation 1044697 (VCV001044697.7), dbSNP rs1785783140, ClinGen allele CA365634079.